The following is an entry in ClinVar:

ClinVar aggregate classification (germline): Pathogenic (1 of 4 stars; one submission).

Conditions:
TH-deficient dopa-responsive dystonia. Also called: Tyrosine Hydroxylase-Deficient Dopa-Responsive Dystonia; Segawa syndrome, autosomal recessive; DYT-TH. Identifiers: Orphanet 101150, MedGen C2673535, MONDO:0011551, OMIM 605407.

Submission:

Labcorp Genetics (formerly Invitae), Labcorp
Classification: Pathogenic for TH-deficient dopa-responsive dystonia. Last evaluated: 2022-07-23. Review status: criteria provided, single submitter. Criteria: Invitae Variant Classification Sherloc (09022015). Collection method: clinical testing. Allele origin: germline.
Comment: This sequence change creates a premature translational stop signal (p.Cys359Serfs*55) in the TH gene. It is expected to result in an absent or disrupted protein product. Loss-of-function variants in TH are known to be pathogenic (PMID: 22264700, 24753243). This variant is not present in population databases (gnomAD no frequency). This variant has not been reported in the literature in individuals affected with TH-related conditions. Algorithms developed to predict the effect of sequence changes on RNA splicing suggest that this variant may create or strengthen a splice site. For these reasons, this variant has been classified as Pathogenic.

Literature cited by the submitters: PubMed 22264700; PubMed 24753243.

NM_000360.4(TH):c.982_991del (p.Cys328fs)

Gene: TH (tyrosine hydroxylase; minus strand). Cytogenetic location: 11p15.5.
Variant type: Deletion.
Coding change: c.982_991del on transcript NM_000360.4 (MANE Select); coding-DNA positions 982 to 991, 10 bases deleted (TGCTGCCACG; older notation c.982_991delTGCTGCCACG).
Protein change: p.Cys328fs; shifts the reading frame from cysteine 328.
Molecular consequence: frameshift variant.
Genome position (GRCh38, 1-based): chr11:2,166,536-2,166,545, CGTGGCAGCA deleted on the plus strand (TGCTGCCACG on the coding strand, the reverse complement: TH is on the minus strand). VCF-style (leftmost placement, unchanged base first): chr11-2166535-TCGTGGCAGCA-T. GRCh37 (hg19) VCF-style: chr11-2187765-TCGTGGCAGCA-T.
Other names: c.1075_1084del, p.Cys359fs (NM_199292.3); c.1063_1072del, p.Cys355fs (NM_199293.3); short protein forms C355fs, C359fs, C328fs.
Identifiers: ClinVar variation 2019062 (VCV002019062.4), dbSNP rs2495801396, ClinGen allele CA2580082649.
Genomic context (GRCh38, chr11:2,166,535, plus strand): 5'-CGTACCTGCGAGAACTGCGCGAAGGTGCGGTCGGCCAGCATGGGCACGTGCCCCAGCAGC[TCGTGGCAGCA>T]GTCCCTGCGCGTAGGAGGGAGAAGGGGGCTGAGGGGCCGCCCGTCGCACCCCCCACCCTC-3'